The following is an entry in ClinVar:

NC_012920.1(MT-CO3):m.9939G>A

Gene: MT-CO3 (mitochondrially encoded cytochrome c oxidase III; plus strand).
Variant type: single nucleotide variant.
Genome position: chrM-9939-G-A.
Identifiers: ClinVar variation 693250 (VCV000693250.1), dbSNP rs1603222586, ClinGen allele CA414804057.

ClinVar aggregate classification (germline): Uncertain significance (1 of 4 stars; one submission).

Conditions:
Leigh syndrome (NULS). Also called: Leigh's necrotizing encephalopathy; Leigh's disease; Leigh Syndrome (mtDNA deletion); Leigh Disease; Subacute necrotizing encephalopathy; Necrotizing encephalopathy infantile subacute of Leigh. Identifiers: Orphanet 506, MedGen C2931891, MONDO:0009723, OMIM 256000.

Submission:

Wong Mito Lab, Molecular and Human Genetics, Baylor College of Medicine
Classification: Uncertain significance for Leigh syndrome. Last evaluated: 2019-10-17. Review status: criteria provided, single submitter. Criteria: Modified ACMG Guidelines (Unpublished). Collection method: clinical testing. Allele origin: germline.
Comment: The NC_012920.1:m.9939G>A (YP_003024032.1:p.Val245Met) variant in MTCO3 gene is interpretated to be a Uncertain Significance variant based on the modified ACMG guidelines (unpublished). This variant meets the following evidence codes: PP7